The following is an entry in ClinVar:

NM_006231.4(POLE):c.5678+78C>G

Gene: POLE (DNA polymerase epsilon, catalytic subunit; minus strand). Cytogenetic location: 12q24.33.
Variant type: single nucleotide variant.
Coding change: c.5678+78C>G on transcript NM_006231.4 (MANE Select); 78 bases into the intron after coding-DNA position 5678, C replaced by G.
Molecular consequence: intron variant.
Genome position (GRCh38, 1-based): chr12:132,637,936, G>C on the plus strand (C>G on the coding strand, the complement: POLE is on the minus strand). VCF-style: chr12-132637936-G-C. GRCh37 (hg19) VCF-style: chr12-133214522-G-C.
Identifiers: ClinVar variation 676502 (VCV000676502.2), dbSNP rs5744974, ClinGen allele CA13640029.

ClinVar aggregate classification (germline): Benign. Review status: criteria provided, multiple submitters, no conflicts (2 of 4 stars). 2 submissions from 2 submitters: Benign (2). Last evaluated 2018-06-20.

Allele frequency attached by ClinVar (database versions not stated): gnomAD 0.66505; TOPMed 0.68978; 1000 Genomes Project 0.71605; 1000 Genomes Project 30x 0.71971.
gnomAD v4.1: 939,752 of 1,528,534 alleles (61%); highest among the groups gnomAD compares: African/African-American, 81%; 292,635 homozygotes.

Submissions (2):

GeneDx
Classification: Benign. Last evaluated: 2018-06-20. Review status: criteria provided, single submitter. Criteria: GeneDx Variant Classification (06012015). Collection method: clinical testing. Allele origin: germline. Affected: yes.
Comment: This variant is considered likely benign or benign based on one or more of the following criteria: it is a conservative change, it occurs at a poorly conserved position in the protein, it is predicted to be benign by multiple in silico algorithms, and/or has population frequency not consistent with disease.

Breakthrough Genomics
Classification: Benign. Review status: criteria provided, single submitter. Criteria: ACMG Guidelines, 2015. Collection method: not provided. Allele origin: germline. Inheritance: Autosomal recessive inheritance. Affected: yes.